The following is an entry in ClinVar:

NM_014625.4(NPHS2):c.371G>A (p.Cys124Tyr)

Gene: NPHS2 (NPHS2 stomatin family member, podocin; minus strand). Cytogenetic location: 1q25.2.
Variant type: single nucleotide variant.
Coding change: c.371G>A on transcript NM_014625.4 (MANE Select); coding-DNA position 371, G replaced by A.
Protein change: p.Cys124Tyr; replaces cysteine 124 with tyrosine.
Molecular consequence: missense variant.
Genome position (GRCh38, 1-based): chr1:179,564,697, C>T on the plus strand (G>A on the coding strand, the complement: NPHS2 is on the minus strand). VCF-style: chr1-179564697-C-T. GRCh37 (hg19) VCF-style: chr1-179533832-C-T.
Other names: c.371G>A, p.Cys124Tyr (NM_001297575.2); short protein forms C124Y.
Identifiers: ClinVar variation 1497611 (VCV001497611.9), dbSNP rs2125790095, ClinGen allele CA343570779.

ClinVar aggregate classification (germline): Conflicting classifications of pathogenicity. Review status: criteria provided, conflicting classifications (1 of 4 stars). 4 submissions from 4 submitters: Pathogenic (1); Likely pathogenic (2); Uncertain significance (1). Last evaluated 2025-10-16.

Conditions:
Nephrotic syndrome, type 2 (NPHS2). Also called: NEPHROTIC SYNDROME, STEROID-RESISTANT, AUTOSOMAL RECESSIVE. Identifiers: Orphanet 656, MedGen C1868672, MONDO:0010974, OMIM 600995.
NPHS2-related disorder. Also called: NPHS2-related condition.

Allele frequency attached by ClinVar (database versions not stated): gnomAD exomes below 0.00001.
gnomAD v4.1: 1 of 1,613,718 alleles (0.000062%); highest among the groups gnomAD compares: Non-Finnish European, 0.000085%; no homozygotes.

Submissions (4):

Women's Health and Genetics/Laboratory Corporation of America, LabCorp
Classification: Uncertain significance. Last evaluated: 2025-10-16. Review status: criteria provided, single submitter. Criteria: LabCorp Variant Classification Summary - May 2015. Collection method: clinical testing. Allele origin: germline.
Comment: Variant summary: NPHS2 c.371G>A (p.Cys124Tyr) results in a non-conservative amino acid change in the encoded protein sequence. Algorithms developed to predict the effect of missense changes on protein structure and function all suggest that this variant is likely to be disruptive. The variant was absent in 251394 control chromosomes. The available data on variant occurrences in the general population are insufficient to allow any conclusion about variant significance. To our knowledge, no occurrence of c.371G>A in individuals affected with NPHS2-related conditions and no experimental evidence demonstrating its impact on protein function have been reported. ClinVar contains an entry for this variant (Variation ID: 1497611). Based on the evidence outlined above, the variant was classified as uncertain significance.

Genomic Medicine Center of Excellence, King Faisal Specialist Hospital and Research Centre
Classification: Pathogenic for Nephrotic syndrome, type 2. Last evaluated: 2024-03-29. Review status: criteria provided, single submitter. Criteria: ACMG Guidelines, 2015. Collection method: clinical testing. Allele origin: germline.

Labcorp Genetics (formerly Invitae), Labcorp
Classification: Likely pathogenic. Last evaluated: 2022-05-29. Review status: criteria provided, single submitter. Criteria: Invitae Variant Classification Sherloc (09022015). Collection method: clinical testing. Allele origin: germline.
Comment: This sequence change replaces cysteine, which is neutral and slightly polar, with tyrosine, which is neutral and polar, at codon 124 of the NPHS2 protein (p.Cys124Tyr). This variant is not present in population databases (gnomAD no frequency). This variant has not been reported in the literature in individuals affected with NPHS2-related conditions. ClinVar contains an entry for this variant (Variation ID: 1497611). Advanced modeling of protein sequence and biophysical properties (such as structural, functional, and spatial information, amino acid conservation, physicochemical variation, residue mobility, and thermodynamic stability) performed at Invitae indicates that this missense variant is expected to disrupt NPHS2 protein function. This variant disrupts the p.Cys124 amino acid residue in NPHS2. Other variant(s) that disrupt this residue have been determined to be pathogenic (PMID: 33428103, 34031707). This suggests that this residue is clinically significant, and that variants that disrupt this residue are likely to be disease-causing. In summary, the currently available evidence indicates that the variant is pathogenic, but additional data are needed to prove that conclusively. Therefore, this variant has been classified as Likely Pathogenic.

Blueprint Genetics
Classification: Likely pathogenic for NPHS2-related disorders. Last evaluated: 2020-12-15. Review status: criteria provided, single submitter. Criteria: ACMG Guidelines, 2015. Collection method: clinical testing. Allele origin: germline. Affected: yes. Observed: 2 variant alleles.

Literature cited by the submitters: PubMed 33428103 (cited by Labcorp Genetics (formerly Invitae), Labcorp); PubMed 34031707 (cited by Labcorp Genetics (formerly Invitae), Labcorp).